The following is an entry in ClinVar:

ClinVar aggregate classification (germline): Uncertain significance (1 of 4 stars; one submission).

Allele frequency attached by ClinVar (database versions not stated): gnomAD 0.00001; ExAC 0.00002; TOPMed 0.00003; gnomAD exomes 0.00005.
gnomAD v4.1: 69 of 1,614,080 alleles (0.0043%); highest among the groups gnomAD compares: Non-Finnish European, 0.0056%; no homozygotes.

Submission:

Labcorp Genetics (formerly Invitae), Labcorp
Classification: Uncertain significance. Last evaluated: 2022-07-30. Review status: criteria provided, single submitter. Criteria: Invitae Variant Classification Sherloc (09022015). Collection method: clinical testing. Allele origin: germline.
Comment: In summary, the available evidence is currently insufficient to determine the role of this variant in disease. Therefore, it has been classified as a Variant of Uncertain Significance. Algorithms developed to predict the effect of missense changes on protein structure and function are either unavailable or do not agree on the potential impact of this missense change (SIFT: "Deleterious"; PolyPhen-2: "Probably Damaging"; Align-GVGD: "Class C0"). This variant has not been reported in the literature in individuals affected with NDUFAF6-related conditions. This variant is present in population databases (rs749297305, gnomAD 0.004%). This sequence change replaces alanine, which is neutral and non-polar, with threonine, which is neutral and polar, at codon 219 of the NDUFAF6 protein (p.Ala219Thr).

NM_152416.4(NDUFAF6):c.655G>A (p.Ala219Thr)

Gene: NDUFAF6 (NADH:ubiquinone oxidoreductase complex assembly factor 6; plus strand). Cytogenetic location: 8q22.1.
Variant type: single nucleotide variant.
Coding change: c.655G>A on transcript NM_152416.4 (MANE Select); coding-DNA position 655, G replaced by A.
Protein change: p.Ala219Thr; replaces alanine 219 with threonine.
Molecular consequence: missense variant. On other transcripts: non-coding transcript variant (5).
Genome position (GRCh38, 1-based): chr8:95,047,068, G>A. VCF-style: chr8-95047068-G-A. GRCh37 (hg19) VCF-style: chr8-96059296-G-A.
Other names: c.379G>A, p.Ala127Thr (NM_001330582.2, NM_001354514.2, NM_001354515.2 and 1 more transcripts); c.499G>A, p.Ala167Thr (NM_001354516.2); c.322G>A, p.Ala108Thr (NM_001354517.2, NM_001354518.2, NM_001354519.2 and 1 more transcripts); c.199G>A, p.Ala67Thr (NM_001354522.2, NM_001354524.2, NM_001354525.2 and 7 more transcripts); short protein forms A219T, A127T, A167T, A108T, A67T.
Identifiers: ClinVar variation 1914122 (VCV001914122.5), dbSNP rs749297305, ClinGen allele CA4814862.